The following is an entry in ClinVar:

NM_003980.6(MAP7):c.1843G>A (p.Ala615Thr)

Gene: MAP7 (microtubule associated protein 7; minus strand). Cytogenetic location: 6q23.3.
Variant type: single nucleotide variant.
Coding change: c.1843G>A on transcript NM_003980.6 (MANE Select); coding-DNA position 1843, G replaced by A.
Protein change: p.Ala615Thr; replaces alanine 615 with threonine.
Molecular consequence: missense variant.
Genome position (GRCh38, 1-based): chr6:136,359,992, C>T on the plus strand (G>A on the coding strand, the complement: MAP7 is on the minus strand). VCF-style: chr6-136359992-C-T. GRCh37 (hg19) VCF-style: chr6-136681130-C-T.
Other names: c.1516G>A, p.Ala506Thr (NM_001388346.1, NM_001388345.1); c.1450G>A, p.Ala484Thr (NM_001388347.1); c.1405G>A, p.Ala469Thr (NM_001388348.1, NM_001388349.1, NM_001198618.2 and 1 more transcripts); c.1294G>A, p.Ala432Thr (NM_001388350.1, NM_001388351.1); c.1159G>A, p.Ala387Thr (NM_001388352.1); c.1084G>A, p.Ala362Thr (NM_001388353.1); c.1909G>A, p.Ala637Thr (NM_001198608.3, NM_001198614.2, NM_001388332.1 and 1 more transcripts); c.1933G>A, p.Ala645Thr (NM_001198609.2, NM_001388328.1, NM_001388329.1 and 1 more transcripts); and 10 more; short protein forms A362T, A387T, A432T, A469T, A484T, A506T, A521T, A557T.
Identifiers: ClinVar variation 2656930 (VCV002656930.24), dbSNP rs147645484, ClinGen allele CA4015667.

ClinVar aggregate classification (germline): Likely benign (1 of 4 stars; one submission).

Allele frequency attached by ClinVar (database versions not stated): ESP Exome Variant Server 0.00108; 1000 Genomes Project 0.00280; 1000 Genomes Project 30x 0.00281.
gnomAD v4.1: 3,267 of 1,613,504 alleles (0.2%); highest among the groups gnomAD compares: South Asian, 0.86%; 22 homozygotes.

Submission:

CeGaT Center for Human Genetics Tuebingen
Classification: Likely benign. Last evaluated: 2022-12-01. Review status: criteria provided, single submitter. Criteria: CeGaT Center For Human Genetics Tuebingen Variant Classification Criteria Version 2. Collection method: clinical testing. Allele origin: germline. Affected: yes. Observed: 1 variant allele.
Comment: MAP7: BP4, BS2